The following is an entry in ClinVar:

ClinVar aggregate classification (germline): Uncertain significance. Review status: criteria provided, multiple submitters, no conflicts (2 of 4 stars). 4 submissions from 4 submitters: Uncertain significance (4). Last evaluated 2024-07-10.

gnomAD v4.1: 30 of 1,613,524 alleles (0.0019%); highest among the groups gnomAD compares: East Asian, 0.018%; no homozygotes.

Submissions (4):

Mayo Clinic Laboratories, Mayo Clinic
Classification: Uncertain significance. Last evaluated: 2024-07-10. Review status: criteria provided, single submitter. Criteria: ACMG Guidelines, 2015. Collection method: clinical testing. Allele origin: germline. Observed: 1 variant allele.
Comment: BP4, PM2_moderate

Ambry Genetics
Classification: Uncertain significance. Last evaluated: 2024-07-05. Review status: criteria provided, single submitter. Criteria: Ambry Variant Classification Scheme 2023. Collection method: clinical testing. Allele origin: germline.

ARUP Laboratories, Molecular Genetics and Genomics, ARUP Laboratories
Classification: Uncertain significance. Last evaluated: 2023-12-19. Review status: criteria provided, single submitter. Criteria: ARUP Molecular Germline Variant Investigation Process 2024. Collection method: clinical testing. Allele origin: germline.

Revvity Omics, Revvity
Classification: Uncertain significance. Last evaluated: 2023-01-08. Review status: criteria provided, single submitter. Criteria: ACMG Guidelines, 2015. Collection method: clinical testing. Allele origin: germline.

NM_003126.4(SPTA1):c.409C>T (p.Arg137Cys)

Gene: SPTA1 (spectrin alpha, erythrocytic 1; minus strand). Cytogenetic location: 1q23.1.
Variant type: single nucleotide variant.
Coding change: c.409C>T on transcript NM_003126.4 (MANE Select); coding-DNA position 409, C replaced by T.
Protein change: p.Arg137Cys; replaces arginine 137 with cysteine.
Molecular consequence: missense variant.
Genome position (GRCh38, 1-based): chr1:158,681,649, G>A on the plus strand (C>T on the coding strand, the complement: SPTA1 is on the minus strand). VCF-style: chr1-158681649-G-A. GRCh37 (hg19) VCF-style: chr1-158651439-G-A.
Other names: p.Arg137Cys; c.409C>T (NM_003126.2); short protein forms R137C.
Identifiers: ClinVar variation 2436334 (VCV002436334.6), dbSNP rs772799574, ClinGen allele CA1184149.
Genomic context (GRCh38, chr1:158,681,649, plus strand): 5'-CCCGCAGCAACTGGTCACCCTTCTCCAGGGTCAGCTCTAACAGCAGGTCCCACAGGTGGC[G>A]TAGCTCCTCTATATGGGCCTTTAGGAAAGAGGGGCAAAACCACTCAGCCACAGACACTGG-3'
Protein context (NP_003117.2, residues 127-147): EETKAHIEEL[Arg137Cys]HLWDLLLELT